The following is an entry in ClinVar:

NM_016008.4(DYNC2LI1):c.861G>T (p.Glu287Asp)

Gene: DYNC2LI1 (dynein cytoplasmic 2 light intermediate chain 1; plus strand). Cytogenetic location: 2p21.
Variant type: single nucleotide variant.
Coding change: c.861G>T on transcript NM_016008.4 (MANE Select); coding-DNA position 861, G replaced by T.
Protein change: p.Glu287Asp; replaces glutamic acid 287 with aspartic acid.
Molecular consequence: missense variant.
Genome position (GRCh38, 1-based): chr2:43,804,700, G>T. VCF-style: chr2-43804700-G-T. GRCh37 (hg19) VCF-style: chr2-44031839-G-T.
Other names: c.864G>T, p.Glu288Asp (NM_001193464.2, NM_001348913.2); c.861G>T, p.Glu287Asp (NM_001348912.2); short protein forms E287D, E288D.
Identifiers: ClinVar variation 1380955 (VCV001380955.6), dbSNP rs146240965, ClinGen allele CA1636038.

ClinVar aggregate classification (germline): Conflicting classifications of pathogenicity. Review status: criteria provided, conflicting classifications (1 of 4 stars). 3 submissions from 3 submitters: Uncertain significance (2); Likely benign (1). Last evaluated 2024-11-26.

Allele frequency attached by ClinVar (database versions not stated): gnomAD 0.00035 and 0.00038; ESP Exome Variant Server 0.00046; gnomAD exomes 0.00048 and 0.00028; ExAC 0.00029.
gnomAD v4.1: 751 of 1,606,176 alleles (0.047%); highest among the groups gnomAD compares: Non-Finnish European, 0.059%; 1 homozygote.

Submissions (3):

Blueprint Genetics
Classification: Likely benign. Last evaluated: 2024-11-26. Review status: criteria provided, single submitter. Criteria: ACMG Guidelines, 2015. Collection method: clinical testing. Allele origin: germline.

Labcorp Genetics (formerly Invitae), Labcorp
Classification: Uncertain significance. Last evaluated: 2023-12-07. Review status: criteria provided, single submitter. Criteria: Invitae Variant Classification Sherloc (09022015). Collection method: clinical testing. Allele origin: germline.
Comment: This sequence change replaces glutamic acid, which is acidic and polar, with aspartic acid, which is acidic and polar, at codon 287 of the DYNC2LI1 protein (p.Glu287Asp). This variant is present in population databases (rs146240965, gnomAD 0.05%). This variant has not been reported in the literature in individuals affected with DYNC2LI1-related conditions. ClinVar contains an entry for this variant (Variation ID: 1380955). Algorithms developed to predict the effect of missense changes on protein structure and function output the following: SIFT: "Not Available"; PolyPhen-2: "Benign"; Align-GVGD: "Not Available". The aspartic acid amino acid residue is found in multiple mammalian species, which suggests that this missense change does not adversely affect protein function. In summary, the available evidence is currently insufficient to determine the role of this variant in disease. Therefore, it has been classified as a Variant of Uncertain Significance.

Breakthrough Genomics
Classification: Uncertain significance. Review status: criteria provided, single submitter. Criteria: ACMG Guidelines, 2015. Collection method: not provided. Allele origin: germline. Inheritance: Autosomal recessive inheritance. Affected: yes.